The following is an entry in ClinVar:

NM_025114.4(CEP290):c.3178A>G (p.Thr1060Ala)

Gene: CEP290 (centrosomal protein 290; minus strand). Cytogenetic location: 12q21.32.
Variant type: single nucleotide variant.
Coding change: c.3178A>G on transcript NM_025114.4 (MANE Select); coding-DNA position 3178, A replaced by G.
Protein change: p.Thr1060Ala; replaces threonine 1060 with alanine.
Molecular consequence: missense variant.
Genome position (GRCh38, 1-based): chr12:88,093,901, T>C on the plus strand (A>G on the coding strand, the complement: CEP290 is on the minus strand). VCF-style: chr12-88093901-T-C. GRCh37 (hg19) VCF-style: chr12-88487678-T-C.
Other names: short protein forms T1060A.
Identifiers: ClinVar variation 857637 (VCV000857637.11), dbSNP rs948383352, ClinGen allele CA241168749.

ClinVar aggregate classification (germline): Uncertain significance. Review status: criteria provided, multiple submitters, no conflicts (2 of 4 stars). 4 submissions from 4 submitters: Uncertain significance (2). 2 of the submissions do not count toward it. Last evaluated 2025-01-06.

Conditions:
CEP290-related disorder. Also called: CEP290-related condition; CEP290-related disorders. Identifiers: MedGen CN239314.
Meckel-Gruber syndrome. Also called: DYSENCEPHALIA SPLANCHNOCYSTICA; GRUBER SYNDROME; Dysencephalia splachnocystica. Identifiers: Orphanet 564, MedGen C0265215, MONDO:0018921.
Nephronophthisis. Also called: Juvenile Nephronophthisis. Identifiers: Orphanet 655, MedGen C0687120, MONDO:0019005, HP:0000090.
Joubert syndrome. Also called: CEREBELLOPARENCHYMAL DISORDER IV; JOUBERT-BOLTSHAUSER SYNDROME; Familial aplasia of the vermis. Identifiers: Orphanet 475, MedGen C5979921, MONDO:0018772.
Senior-Loken syndrome 6 (SLSN6). Identifiers: Orphanet 3156, MedGen C1857779, MONDO:0012433, OMIM 610189.
Leber congenital amaurosis 10 (LCA10). Identifiers: Orphanet 65, MedGen C1857821, MONDO:0012723, OMIM 611755.
Bardet-Biedl syndrome 14 (BBS14). Identifiers: Orphanet 110, MedGen C2673874, MONDO:0014442, OMIM 615991.
Meckel syndrome, type 4 (MKS4). Also called: MECKEL-GRUBER SYNDROME, TYPE 4. Identifiers: Orphanet 564, MedGen C1970161, MONDO:0012626, OMIM 611134.
Joubert syndrome 5 (JBTS5). Identifiers: Orphanet 2318, MedGen C1857780, MONDO:0012432, OMIM 610188.
Leber congenital amaurosis (LCA). Also called: Leber's amaurosis. Identifiers: Orphanet 65, MedGen C0339527, MeSH D057130, MONDO:0018998.

Allele frequency attached by ClinVar (database versions not stated): gnomAD exomes 0.00001 and 0.00003; gnomAD 0.00003; TOPMed 0.00003.
gnomAD v4.1: 54 of 1,612,808 alleles (0.0033%); highest among the groups gnomAD compares: Non-Finnish European, 0.0044%; no homozygotes.

Submissions (4):

Labcorp Genetics (formerly Invitae), Labcorp
Classification: Uncertain significance for Joubert syndrome; Meckel-Gruber syndrome; Nephronophthisis. Last evaluated: 2025-01-06. Review status: criteria provided, single submitter. Criteria: Invitae Variant Classification Sherloc (09022015). Collection method: clinical testing. Allele origin: germline.
Comment: This sequence change replaces threonine, which is neutral and polar, with alanine, which is neutral and non-polar, at codon 1060 of the CEP290 protein (p.Thr1060Ala). This variant is present in population databases (no rsID available, gnomAD 0.003%). This variant has not been reported in the literature in individuals affected with CEP290-related conditions. ClinVar contains an entry for this variant (Variation ID: 857637). Invitae Evidence Modeling of protein sequence and biophysical properties (such as structural, functional, and spatial information, amino acid conservation, physicochemical variation, residue mobility, and thermodynamic stability) indicates that this missense variant is not expected to disrupt CEP290 protein function with a negative predictive value of 80%. Algorithms developed to predict the effect of sequence changes on RNA splicing suggest that this variant may disrupt the consensus splice site. In summary, the available evidence is currently insufficient to determine the role of this variant in disease. Therefore, it has been classified as a Variant of Uncertain Significance.

Fulgent Genetics
Classification: Uncertain significance for Joubert syndrome 5; Senior-Loken syndrome 6; Meckel syndrome, type 4; Leber congenital amaurosis 10; Bardet-Biedl syndrome 14. Last evaluated: 2021-09-16. Review status: criteria provided, single submitter. Criteria: ACMG Guidelines, 2015. Collection method: clinical testing. Allele origin: unknown.

PreventionGenetics, part of Exact Sciences
Classification: Uncertain significance for CEP290-related condition. Last evaluated: 2024-09-16. Review status: no assertion criteria provided. Collection method: clinical testing. Allele origin: germline. Not counted in ClinVar's aggregate classification.
Comment: The CEP290 c.3178A>G variant is predicted to result in the amino acid substitution p.Thr1060Ala. To our knowledge, this variant has not been reported in the literature. This variant is reported in 0.0031% of alleles in individuals of European (Non-Finnish) descent in gnomAD. At this time, the clinical significance of this variant is uncertain due to the absence of conclusive functional and genetic evidence.

Natera, Inc.
Classification: Uncertain significance for Leber congenital amaurosis. Last evaluated: 2021-02-11. Review status: no assertion criteria provided. Collection method: clinical testing. Allele origin: germline. Not counted in ClinVar's aggregate classification.